The following is an entry in ClinVar:

ClinVar aggregate classification (germline): Likely benign (1 of 4 stars; one submission).

gnomAD v4.1: 7 of 1,587,604 alleles (0.00044%); highest among the groups gnomAD compares: African/African-American, 0.0081%; no homozygotes.

Submission:

CeGaT Center for Human Genetics Tuebingen
Classification: Likely benign. Last evaluated: 2025-03-01. Review status: criteria provided, single submitter. Criteria: CeGaT Center For Human Genetics Tuebingen Variant Classification Criteria Version 2. Collection method: clinical testing. Allele origin: germline. Affected: yes. Observed: 1 variant allele.
Comment: ADGRL1: BP4

NM_014921.5(ADGRL1):c.4152C>T (p.Ala1384=)

Genes: ADGRL1 (adhesion G protein-coupled receptor L1; minus strand), ADGRL1-AS1 (ADGRL1 antisense RNA 1; plus strand). Cytogenetic location: 19p13.12.
Variant type: single nucleotide variant.
Coding change: c.4152C>T on transcript NM_014921.5 (MANE Select); coding-DNA position 4152, C replaced by T.
Protein change: p.Ala1384=; no amino-acid change (alanine 1384 retained).
Molecular consequence: synonymous variant.
Genome position (GRCh38, 1-based): chr19:14,151,131, G>A on the plus strand (C>T on the coding strand, the complement: ADGRL1 is on the minus strand). VCF-style: chr19-14151131-G-A. GRCh37 (hg19) VCF-style: chr19-14261943-G-A.
Other names: c.4167C>T, p.Ala1389= (NM_001008701.3).
Identifiers: ClinVar variation 3778349 (VCV003778349.7).